The following is an entry in ClinVar:

NM_001171613.2(PREPL):c.-49+1765C>T

Gene: PREPL (prolyl endopeptidase like; minus strand). Cytogenetic location: 2p21.
Variant type: single nucleotide variant.
Coding change: c.-49+1765C>T on transcript NM_001171613.2 (MANE Select); 1765 bases into the intron after 49 bases upstream of the start codon, C replaced by T.
Molecular consequence: intron variant. On other transcripts: missense variant (7).
Genome position (GRCh38, 1-based): chr2:44,359,615, G>A on the plus strand (C>T on the coding strand, the complement: PREPL is on the minus strand). VCF-style: chr2-44359615-G-A. GRCh37 (hg19) VCF-style: chr2-44586754-G-A.
Other names: c.101C>T, p.Ala34Val (NM_001042385.2, NM_001042386.2, NM_001171603.1 and 4 more transcripts); c.-49+1909C>T (NM_001171617.1); c.-49+1802C>T (NM_001374277.1); short protein forms A34V.
Identifiers: ClinVar variation 1956871 (VCV001956871.3), dbSNP rs372182011, ClinGen allele CA1641747.

ClinVar aggregate classification (germline): Uncertain significance (1 of 4 stars; one submission).

Conditions:
Myasthenic syndrome, congenital, 22 (CMS22). Also called: PREPL DEFICIENCY. Identifiers: MedGen C4479088, MONDO:0044299, OMIM 616224.

Allele frequency attached by ClinVar (database versions not stated): TOPMed 0.00002; ExAC 0.00004; gnomAD 0.00005; ESP Exome Variant Server 0.00008.
gnomAD v4.1: 44 of 1,611,154 alleles (0.0027%); highest among the groups gnomAD compares: Non-Finnish European, 0.0035%; no homozygotes.

Submission:

Labcorp Genetics (formerly Invitae), Labcorp
Classification: Uncertain significance for Myasthenic syndrome, congenital, 22. Last evaluated: 2022-06-14. Review status: criteria provided, single submitter. Criteria: Invitae Variant Classification Sherloc (09022015). Collection method: clinical testing. Allele origin: germline.
Comment: Algorithms developed to predict the effect of missense changes on protein structure and function are either unavailable or do not agree on the potential impact of this missense change (SIFT: "Deleterious"; PolyPhen-2: "Benign"; Align-GVGD: "Class C0"). In summary, the available evidence is currently insufficient to determine the role of this variant in disease. Therefore, it has been classified as a Variant of Uncertain Significance. This variant has not been reported in the literature in individuals affected with PREPL-related conditions. This variant is present in population databases (rs372182011, gnomAD 0.007%). This sequence change replaces alanine, which is neutral and non-polar, with valine, which is neutral and non-polar, at codon 34 of the PREPL protein (p.Ala34Val).